The following is an entry in ClinVar:

NM_000081.4(LYST):c.9896A>G (p.Tyr3299Cys)

Gene: LYST (lysosomal trafficking regulator; minus strand). Cytogenetic location: 1q42.3.
Variant type: single nucleotide variant.
Coding change: c.9896A>G on transcript NM_000081.4 (MANE Select); coding-DNA position 9896, A replaced by G.
Protein change: p.Tyr3299Cys; replaces tyrosine 3299 with cysteine.
Molecular consequence: missense variant.
Genome position (GRCh38, 1-based): chr1:235,712,086, T>C on the plus strand (A>G on the coding strand, the complement: LYST is on the minus strand). VCF-style: chr1-235712086-T-C. GRCh37 (hg19) VCF-style: chr1-235875386-T-C.
Other names: p.Tyr3299Cys; c.9896A>G (NM_000081.2); c.9896A>G, p.Tyr3299Cys (NM_001301365.1); short protein forms Y3299C.
Identifiers: ClinVar variation 654382 (VCV000654382.7), dbSNP rs375053252, ClinGen allele CA1465481.

ClinVar aggregate classification (germline): Uncertain significance. Review status: criteria provided, multiple submitters, no conflicts (2 of 4 stars). 4 submissions from 4 submitters: Uncertain significance (4). Last evaluated 2025-03-17.

Conditions:
Inborn genetic diseases. Identifiers: MedGen C0950123, MeSH D030342.
Chédiak-Higashi syndrome (CHS). Also called: Chediak-Higashi Syndrome. Identifiers: Orphanet 167, MedGen C0007965, MONDO:0008963, OMIM 214500.

Allele frequency attached by ClinVar (database versions not stated): 1000 Genomes Project 30x 0.00016; ESP Exome Variant Server 0.00016; TOPMed 0.00018; gnomAD exomes 0.00019; 1000 Genomes Project 0.00020; gnomAD 0.00021; ExAC 0.00014.
gnomAD v4.1: 301 of 1,549,342 alleles (0.019%); highest among the groups gnomAD compares: East Asian, 0.085%; no homozygotes.

Submissions (4):

Mayo Clinic Laboratories, Mayo Clinic
Classification: Uncertain significance. Last evaluated: 2025-03-17. Review status: criteria provided, single submitter. Criteria: ACMG Guidelines, 2015. Collection method: clinical testing. Allele origin: germline. Observed: 1 variant allele.
Comment: PP3_moderate

Blueprint Genetics
Classification: Uncertain significance. Last evaluated: 2024-09-03. Review status: criteria provided, single submitter. Criteria: ACMG Guidelines, 2015. Collection method: clinical testing. Allele origin: germline.

Ambry Genetics
Classification: Uncertain significance for Inborn genetic diseases. Last evaluated: 2022-10-25. Review status: criteria provided, single submitter. Criteria: Ambry Variant Classification Scheme 2023. Collection method: clinical testing. Allele origin: germline.

Labcorp Genetics (formerly Invitae), Labcorp
Classification: Uncertain significance for Chédiak-Higashi syndrome. Last evaluated: 2022-10-18. Review status: criteria provided, single submitter. Criteria: Invitae Variant Classification Sherloc (09022015). Collection method: clinical testing. Allele origin: germline.
Comment: This sequence change replaces tyrosine, which is neutral and polar, with cysteine, which is neutral and slightly polar, at codon 3299 of the LYST protein (p.Tyr3299Cys). This variant is present in population databases (rs375053252, gnomAD 0.05%). This variant has not been reported in the literature in individuals affected with LYST-related conditions. ClinVar contains an entry for this variant (Variation ID: 654382). Advanced modeling of protein sequence and biophysical properties (such as structural, functional, and spatial information, amino acid conservation, physicochemical variation, residue mobility, and thermodynamic stability) has been performed at Invitae for this missense variant, however the output from this modeling did not meet the statistical confidence thresholds required to predict the impact of this variant on LYST protein function. In summary, the available evidence is currently insufficient to determine the role of this variant in disease. Therefore, it has been classified as a Variant of Uncertain Significance.

Literature cited by the submitters: PubMed 29519750 (cited by Ambry Genetics).